The following is an entry in ClinVar:

ClinVar aggregate classification (germline): Benign/Likely benign. Review status: criteria provided, multiple submitters, no conflicts (2 of 4 stars). 4 submissions from 4 submitters: Benign (3); Likely benign (1). Last evaluated 2026-03-01.

Conditions:
Hyperthyroxinemia, familial dysalbuminemic (FDAH). Also called: EUTHYROID HYPERTHYROXINEMIA 1. Identifiers: MedGen C0342185, MONDO:0014448, OMIM 615999.

Allele frequency attached by ClinVar (database versions not stated): gnomAD exomes 0.00045 and 0.00083; ExAC 0.00084; 1000 Genomes Project 30x 0.00094; 1000 Genomes Project 0.00120; ESP Exome Variant Server 0.00161; gnomAD 0.00217 and 0.00234; TOPMed 0.00244.
gnomAD v4.1: 1,025 of 1,613,756 alleles (0.064%); highest among the groups gnomAD compares: African/African-American, 0.56%; 3 homozygotes.

Submissions (4):

CeGaT Center for Human Genetics Tuebingen
Classification: Likely benign. Last evaluated: 2026-03-01. Review status: criteria provided, single submitter. Criteria: CeGaT Center For Human Genetics Tuebingen Variant Classification Criteria Version 2. Collection method: clinical testing. Allele origin: germline. Affected: yes. Observed: 1 variant allele.
Comment: ALB: BP4

Labcorp Genetics (formerly Invitae), Labcorp
Classification: Benign. Last evaluated: 2025-07-24. Review status: criteria provided, single submitter. Criteria: Invitae Variant Classification Sherloc (09022015). Collection method: clinical testing. Allele origin: germline.

Illumina Laboratory Services, Illumina
Classification: Benign for Hyperthyroxinemia, familial dysalbuminemic. Last evaluated: 2018-01-13. Review status: criteria provided, single submitter. Criteria: ICSL Variant Classification Criteria 13 December 2019. Collection method: clinical testing. Allele origin: germline.
Comment: This variant was observed in the ICSL laboratory as part of a predisposition screen in an ostensibly healthy population. It had not been previously curated by ICSL or reported in the Human Gene Mutation Database (HGMD: prior to June 1st, 2018), and was therefore a candidate for classification through an automated scoring system. Utilizing variant allele frequency, disease prevalence and penetrance estimates, and inheritance mode, an automated score was calculated to assess if this variant is too frequent to cause the disease. Based on the score and internal cut-off values, a variant classified as benign is not then subjected to further curation. The score for this variant resulted in a classification of benign for this disease.

Breakthrough Genomics
Classification: Benign. Review status: criteria provided, single submitter. Criteria: ACMG Guidelines, 2015. Collection method: not provided. Allele origin: germline. Inheritance: Autosomal recessive inheritance. Affected: yes.

NM_000477.7(ALB):c.1785+7C>T

Gene: ALB (albumin; plus strand). Cytogenetic location: 4q13.3.
Variant type: single nucleotide variant.
Coding change: c.1785+7C>T on transcript NM_000477.7 (MANE Select); 7 bases into the intron after coding-DNA position 1785, C replaced by T.
Molecular consequence: intron variant.
Genome position (GRCh38, 1-based): chr4:73,419,646, C>T. VCF-style: chr4-73419646-C-T. GRCh37 (hg19) VCF-style: chr4-74285363-C-T.
Identifiers: ClinVar variation 349640 (VCV000349640.16), dbSNP rs141131597, ClinGen allele CA2959740.